The following is an entry in ClinVar:

ClinVar aggregate classification (germline): Uncertain significance (1 of 4 stars; one submission).

Conditions:
Hypertrophic cardiomyopathy 26. Also called: Cardiomyopathy, familial hypertrophic, 26. Identifiers: Orphanet 75249, MedGen C4310749, MONDO:0014883, OMIM 617047.
Myofibrillar myopathy 5. Also called: Filaminopathy (type); FILAMINOPATHY, AUTOSOMAL DOMINANT. Identifiers: Orphanet 171445, MedGen C1836050, MONDO:0012289, OMIM 609524.
Distal myopathy with posterior leg and anterior hand involvement. Also called: WILLIAMS DISTAL MYOPATHY. Identifiers: Orphanet 63273, MedGen C3279722, MONDO:0013550, OMIM 614065.

Submission:

Labcorp Genetics (formerly Invitae), Labcorp
Classification: Uncertain significance for Distal myopathy with posterior leg and anterior hand involvement; Myofibrillar myopathy 5; Hypertrophic cardiomyopathy 26. Last evaluated: 2025-12-21. Review status: criteria provided, single submitter. Criteria: Invitae Variant Classification Sherloc (09022015). Collection method: clinical testing. Allele origin: germline.
Comment: This sequence change falls in intron 14 of the FLNC gene. It does not directly change the encoded amino acid sequence of the FLNC protein. It affects a nucleotide within the consensus splice site. This variant is not present in population databases (gnomAD no frequency). This variant has not been reported in the literature in individuals affected with FLNC-related conditions. Variants that disrupt the consensus splice site are a relatively common cause of aberrant splicing (PMID: 17576681, 9536098). Algorithms developed to predict the effect of sequence changes on RNA splicing suggest that this variant may disrupt the consensus splice site. In summary, the available evidence is currently insufficient to determine the role of this variant in disease. Therefore, it has been classified as a Variant of Uncertain Significance.

Literature cited by the submitters: PubMed 17576681; PubMed 9536098.

NM_001458.5(FLNC):c.2265+5G>C

Gene: FLNC (filamin C; plus strand). Cytogenetic location: 7q32.1.
Variant type: single nucleotide variant.
Coding change: c.2265+5G>C on transcript NM_001458.5 (MANE Select); 5 bases into the intron after coding-DNA position 2265, G replaced by C.
Molecular consequence: intron variant.
Genome position (GRCh38, 1-based): chr7:128,842,379, G>C. VCF-style: chr7-128842379-G-C. GRCh37 (hg19) VCF-style: chr7-128482433-G-C.
Other names: c.2265+5G>C (NM_001127487.2).
Identifiers: ClinVar variation 4812569 (VCV004812569.1).